The following is an entry in ClinVar:

NM_020184.4(CNNM4):c.1643C>T (p.Pro548Leu)

Gene: CNNM4 (cyclin and CBS domain divalent metal cation transport mediator 4; plus strand). Cytogenetic location: 2q11.2.
Variant type: single nucleotide variant.
Coding change: c.1643C>T on transcript NM_020184.4 (MANE Select); coding-DNA position 1643, C replaced by T.
Protein change: p.Pro548Leu; replaces proline 548 with leucine.
Molecular consequence: missense variant.
Genome position (GRCh38, 1-based): chr2:96,797,609, C>T. VCF-style: chr2-96797609-C-T. GRCh37 (hg19) VCF-style: chr2-97463346-C-T.
Other names: short protein forms P548L.
Identifiers: ClinVar variation 955010 (VCV000955010.6), dbSNP rs761236064, ClinGen allele CA1783416.

ClinVar aggregate classification (germline): Uncertain significance (1 of 4 stars; one submission).

Allele frequency attached by ClinVar (database versions not stated): ExAC 0.00001; gnomAD exomes 0.00001 and 0.00003; TOPMed 0.00001.
gnomAD v4.1: 17 of 1,614,138 alleles (0.0011%); highest among the groups gnomAD compares: Admixed American, 0.0067%; no homozygotes.

Submission:

Labcorp Genetics (formerly Invitae), Labcorp
Classification: Uncertain significance. Last evaluated: 2022-09-01. Review status: criteria provided, single submitter. Criteria: Invitae Variant Classification Sherloc (09022015). Collection method: clinical testing. Allele origin: germline.
Comment: ClinVar contains an entry for this variant (Variation ID: 955010). Algorithms developed to predict the effect of missense changes on protein structure and function are either unavailable or do not agree on the potential impact of this missense change (SIFT: "Tolerated"; PolyPhen-2: "Probably Damaging"; Align-GVGD: "Class C0"). In summary, the available evidence is currently insufficient to determine the role of this variant in disease. Therefore, it has been classified as a Variant of Uncertain Significance. This variant has not been reported in the literature in individuals affected with CNNM4-related conditions. This sequence change replaces proline, which is neutral and non-polar, with leucine, which is neutral and non-polar, at codon 548 of the CNNM4 protein (p.Pro548Leu). This variant is present in population databases (rs761236064, gnomAD 0.02%).